The following is an entry in ClinVar:

NM_001330260.2(SCN8A):c.5181C>A (p.His1727Gln)

Gene: SCN8A (sodium voltage-gated channel alpha subunit 8; plus strand). Cytogenetic location: 12q13.13.
Variant type: single nucleotide variant.
Coding change: c.5181C>A on transcript NM_001330260.2 (MANE Select); coding-DNA position 5181, C replaced by A.
Protein change: p.His1727Gln; replaces histidine 1727 with glutamine.
Molecular consequence: missense variant.
Genome position (GRCh38, 1-based): chr12:51,806,667, C>A. VCF-style: chr12-51806667-C-A. GRCh37 (hg19) VCF-style: chr12-52200451-C-A.
Other names: c.5058C>A, p.His1686Gln (NM_001177984.3, NM_001369788.1); c.5181C>A, p.His1727Gln (NM_014191.4); short protein forms H1727Q, H1686Q.
Identifiers: ClinVar variation 374665 (VCV000374665.44), dbSNP rs1057519190, ClinGen allele CA16043838.

ClinVar aggregate classification (germline): Conflicting classifications of pathogenicity. Review status: criteria provided, conflicting classifications (1 of 4 stars). 2 submissions from 2 submitters: Uncertain significance (1); Likely benign (1). Last evaluated 2022-08-23.

Conditions:
Developmental and epileptic encephalopathy, 13 (DEE13). Also called: SCN8A-Related Epilepsy; Developmental and Epileptic Encephalopathy (SCN8A-DEE); Early infantile epileptic encephalopathy 13. Identifiers: Orphanet 442835, MedGen C3281191, MONDO:0013801, OMIM 614558.

Submissions (2):

Institute of Human Genetics, University of Leipzig Medical Center
Classification: Likely benign for Developmental and epileptic encephalopathy, 13. Last evaluated: 2022-08-23. Review status: criteria provided, single submitter. Criteria: ACMG Guidelines, 2015. Collection method: clinical testing. Allele origin: maternal. Inheritance: Autosomal dominant inheritance. Affected: yes.
Comment: Criteria applied: PM1,PM2_SUP, BS2.

CeGaT Center for Human Genetics Tuebingen
Classification: Uncertain significance. Last evaluated: 2019-03-01. Review status: criteria provided, single submitter. Criteria: CeGaT Center For Human Genetics Tuebingen Variant Classification Criteria Version 2. Collection method: clinical testing. Allele origin: germline. Affected: yes. Observed: 1 variant allele.